The following is an entry in ClinVar:

NM_001042750.2(STAG2):c.1381G>A (p.Val461Ile)

Gene: STAG2 (STAG2 cohesin complex component; plus strand). Cytogenetic location: Xq25.
Variant type: single nucleotide variant.
Coding change: c.1381G>A on transcript NM_001042750.2 (MANE Select); coding-DNA position 1381, G replaced by A.
Protein change: p.Val461Ile; replaces valine 461 with isoleucine.
Molecular consequence: missense variant.
Genome position (GRCh38, 1-based): chrX:124,057,942, G>A. VCF-style: chrX-124057942-G-A. GRCh37 (hg19) VCF-style: chrX-123191792-G-A.
Other names: c.1381G>A, p.Val461Ile (NM_001042749.2, NM_001042751.2, NM_001282418.2 and 13 more transcripts); short protein forms V461I.
Identifiers: ClinVar variation 2636965 (VCV002636965.1), dbSNP rs2521641815, ClinGen allele CA414278681.

ClinVar aggregate classification (germline): Uncertain significance (1 of 4 stars; one submission).

Conditions:
STAG2-related disorder. Also called: STAG2-Related Disorders.

Submission:

PreventionGenetics, part of Exact Sciences
Classification: Uncertain significance for STAG2-related condition. Last evaluated: 2022-10-18. Review status: criteria provided, single submitter. Criteria: ACMG Guidelines, 2015. Collection method: clinical testing. Allele origin: germline.
Comment: The STAG2 c.1381G>A variant is predicted to result in the amino acid substitution p.Val461Ile. To our knowledge, this variant has not been reported in the literature or in a large population database, indicating this variant is rare. At this time, the clinical significance of this variant is uncertain due to the absence of conclusive functional and genetic evidence.